The following is an entry in ClinVar:

ClinVar aggregate classification (germline): Uncertain significance. Review status: criteria provided, multiple submitters, no conflicts (2 of 4 stars). 2 submissions from 2 submitters: Uncertain significance (2). Last evaluated 2025-09-05.

Conditions:
Autosomal dominant limb-girdle muscular dystrophy type 1G (LGMDD3). Also called: Limb-girdle muscular dystrophy, type 1G; MUSCULAR DYSTROPHY, LIMB-GIRDLE, AUTOSOMAL DOMINANT 3. Identifiers: Orphanet 55596, MedGen C1836765, MONDO:0012193, OMIM 609115.

Allele frequency attached by ClinVar (database versions not stated): gnomAD exomes below 0.00001; TOPMed 0.00001.
gnomAD v4.1: 4 of 1,321,598 alleles (0.0003%); highest among the groups gnomAD compares: East Asian, 0.01%; no homozygotes.

Submissions (2):

Ambry Genetics
Classification: Uncertain significance. Last evaluated: 2025-09-05. Review status: criteria provided, single submitter. Criteria: Ambry Variant Classification Scheme 2023. Collection method: clinical testing. Allele origin: germline.

Labcorp Genetics (formerly Invitae), Labcorp
Classification: Uncertain significance for Autosomal dominant limb-girdle muscular dystrophy type 1G. Last evaluated: 2021-01-15. Review status: criteria provided, single submitter. Criteria: Invitae Variant Classification Sherloc (09022015). Collection method: clinical testing. Allele origin: germline.
Comment: This sequence change replaces histidine with arginine at codon 29 of the HNRNPDL protein (p.His29Arg). The histidine residue is moderately conserved and there is a small physicochemical difference between histidine and arginine. While this variant is not present in population databases, the frequency information is unreliable, as metrics indicate poor data quality at this position in the ExAC database. This variant has not been reported in the literature in individuals with HNRNPDL-related disease. Algorithms developed to predict the effect of missense changes on protein structure and function are either unavailable or do not agree on the potential impact of this missense change (SIFT: "Deleterious"; PolyPhen-2: "Benign"; Align-GVGD: "Class C0"). In summary, the available evidence is currently insufficient to determine the role of this variant in disease. Therefore, it has been classified as a Variant of Uncertain Significance.

NM_031372.4(HNRNPDL):c.86A>G (p.His29Arg)

Gene: HNRNPDL (heterogeneous nuclear ribonucleoprotein D like; minus strand). Cytogenetic location: 4q21.22.
Variant type: single nucleotide variant.
Coding change: c.86A>G on transcript NM_031372.4 (MANE Select); coding-DNA position 86, A replaced by G.
Protein change: p.His29Arg; replaces histidine 29 with arginine.
Molecular consequence: missense variant. On other transcripts: non-coding transcript variant (1).
Genome position (GRCh38, 1-based): chr4:82,429,605, T>C on the plus strand (A>G on the coding strand, the complement: HNRNPDL is on the minus strand). VCF-style: chr4-82429605-T-C. GRCh37 (hg19) VCF-style: chr4-83350758-T-C.
Other names: c.86A>G (NM_031372.3); c.86A>G, p.His29Arg (NM_001207000.1); short protein forms H29R.
Identifiers: ClinVar variation 1009487 (VCV001009487.10), dbSNP rs1402218615, ClinGen allele CA357173717.
Genomic context (GRCh38, chr4:82,429,605, plus strand): 5'-GAGCTGGGAGCGAGCGAAGGGAGGAGCGGGGCTAGCTGCCGCGGCGGCCGCGGCCGCCAA[T>C]GGGAGAGGCTGCGGGAGGCTAAAGTAGCGGGAGCGGAGGGGAACAATGGCGGCGGCACAT-3'
Protein context (NP_112740.1, residues 19-39): PATLASRSLS[His29Arg]WRPRPPRQLA